The following is an entry in ClinVar:

ClinVar aggregate classification (germline): Uncertain significance (1 of 4 stars; one submission).

Conditions:
Deafness-lymphedema-leukemia syndrome. Also called: Lymphedema, primary, with myelodysplasia; Emberger syndrome. Identifiers: Orphanet 3226, MedGen C3279664, MONDO:0013540, OMIM 614038.
Monocytopenia with susceptibility to infections. Also called: MONOCYTOPENIA AND MYCOBACTERIAL INFECTION SYNDROME; MONOCYTOPENIA WITH SUSCEPTIBILITY TO MYCOBACTERIAL, FUNGAL, AND PAPILLOMAVIRUS INFECTIONS AND MYELODYSPLASIA; COMBINED IMMUNODEFICIENCY WITH SUSCEPTIBILITY TO MYCOBACTERIAL, VIRAL, AND FUNGAL INFECTIONS; Dendritic cell, monocyte, B lymphocyte, and natural killer lymphocyte deficiency; IMMUNODEFICIENCY 21; GATA2 DEFICIENCY. Identifiers: Orphanet 228423, MedGen C3280030, MONDO:0013607, OMIM 614172.

Submission:

Labcorp Genetics (formerly Invitae), Labcorp
Classification: Uncertain significance for Monocytopenia with susceptibility to infections; Deafness-lymphedema-leukemia syndrome. Last evaluated: 2022-06-14. Review status: criteria provided, single submitter. Criteria: Invitae Variant Classification Sherloc (09022015). Collection method: clinical testing. Allele origin: germline.
Comment: Algorithms developed to predict the effect of missense changes on protein structure and function are either unavailable or do not agree on the potential impact of this missense change (SIFT: "Tolerated"; PolyPhen-2: "Probably Damaging"; Align-GVGD: "Class C0"). This variant has not been reported in the literature in individuals affected with GATA2-related conditions. This variant is not present in population databases (gnomAD no frequency). This sequence change replaces cysteine, which is neutral and slightly polar, with glycine, which is neutral and non-polar, at codon 420 of the GATA2 protein (p.Cys420Gly). In summary, the available evidence is currently insufficient to determine the role of this variant in disease. Therefore, it has been classified as a Variant of Uncertain Significance.

NM_032638.5(GATA2):c.1258T>G (p.Cys420Gly)

Gene: GATA2 (GATA binding protein 2; minus strand). Cytogenetic location: 3q21.3.
Variant type: single nucleotide variant.
Coding change: c.1258T>G on transcript NM_032638.5 (MANE Select); coding-DNA position 1258, T replaced by G.
Protein change: p.Cys420Gly; replaces cysteine 420 with glycine.
Molecular consequence: missense variant.
Genome position (GRCh38, 1-based): chr3:128,481,204, A>C on the plus strand (T>G on the coding strand, the complement: GATA2 is on the minus strand). VCF-style: chr3-128481204-A-C. GRCh37 (hg19) VCF-style: chr3-128200047-A-C.
Other names: c.1258T>G, p.Cys420Gly (NM_001145661.2); c.1216T>G, p.Cys406Gly (NM_001145662.1); short protein forms C420G, C406G.
Identifiers: ClinVar variation 2006343 (VCV002006343.4), dbSNP rs2472919029, ClinGen allele CA354412954.